The following is an entry in ClinVar:

ClinVar aggregate classification (germline): Likely benign. Review status: criteria provided, single submitter (1 of 4 stars). 2 submissions from 2 submitters: Likely benign (1). 1 of the submissions does not count toward it. Last evaluated 2025-04-08.

Conditions:
Cohen syndrome (COH1). Also called: PEPPER SYNDROME; Cutis verticis gyrata, retinitis pigmentosa, and sensorineural deafness. Identifiers: Orphanet 193, MedGen C0265223, MONDO:0008999, OMIM 216550.
VPS13B-related disorder. Also called: VPS13B-related condition.

Allele frequency attached by ClinVar (database versions not stated): gnomAD 0.00001.
gnomAD v4.1: 3 of 1,613,876 alleles (0.00019%); highest among the groups gnomAD compares: Admixed American, 0.0033%; 1 homozygote.

Submissions (2):

Labcorp Genetics (formerly Invitae), Labcorp
Classification: Likely benign for Cohen syndrome. Last evaluated: 2025-04-08. Review status: criteria provided, single submitter. Criteria: Invitae Variant Classification Sherloc (09022015). Collection method: clinical testing. Allele origin: germline.

PreventionGenetics, part of Exact Sciences
Classification: Likely benign for VPS13B-related condition. Last evaluated: 2023-08-16. Review status: no assertion criteria provided. Collection method: clinical testing. Allele origin: germline. Not counted in ClinVar's aggregate classification.
Comment: This variant is classified as likely benign based on ACMG/AMP sequence variant interpretation guidelines (Richards et al. 2015 PMID: 25741868, with internal and published modifications).

NM_152564.5(VPS13B):c.3360A>G (p.Gln1120=)

Gene: VPS13B (vacuolar protein sorting 13 homolog B; plus strand). Cytogenetic location: 8q22.2.
Variant type: single nucleotide variant.
Coding change: c.3360A>G on transcript NM_152564.5 (MANE Select); coding-DNA position 3360, A replaced by G.
Protein change: p.Gln1120=; no amino-acid change (glutamine 1120 retained).
Molecular consequence: synonymous variant.
Genome position (GRCh38, 1-based): chr8:99,442,550, A>G. VCF-style: chr8-99442550-A-G. GRCh37 (hg19) VCF-style: chr8-100454778-A-G.
Other names: c.3360A>G, p.Gln1120= (NM_017890.5).
Identifiers: ClinVar variation 2141877 (VCV002141877.6), dbSNP rs1563732594, ClinGen allele CA462435202.